The following is an entry in ClinVar:

ClinVar aggregate classification (germline): Pathogenic. Review status: criteria provided, multiple submitters, no conflicts (2 of 4 stars). 7 submissions from 7 submitters: Pathogenic (6). 1 of the submissions does not count toward it. Last evaluated 2025-09-10.

Conditions:
DNAAF3-related disorders.
Primary ciliary dyskinesia. Also called: Ciliary dyskinesia. Identifiers: Orphanet 244, MedGen C0008780, MONDO:0016575, HP:0012265.
Primary ciliary dyskinesia 2. Also called: CILIARY DYSKINESIA, PRIMARY, 2, WITH OR WITHOUT SITUS INVERSUS. Identifiers: Orphanet 244, MedGen C1847554, MONDO:0011718, OMIM 606763.

Allele frequency attached by ClinVar (database versions not stated): gnomAD 0.00001; TOPMed 0.00002.
gnomAD v4.1: 9 of 1,613,920 alleles (0.00056%); highest among the groups gnomAD compares: Non-Finnish European, 0.00076%; no homozygotes.

Submissions (7):

Genomic Medicine Center of Excellence, King Faisal Specialist Hospital and Research Centre
Classification: Pathogenic for Primary ciliary dyskinesia 2. Last evaluated: 2025-09-10. Review status: criteria provided, single submitter. Criteria: ACMG Guidelines, 2015. Collection method: clinical testing. Allele origin: germline.

Labcorp Genetics (formerly Invitae), Labcorp
Classification: Pathogenic for Primary ciliary dyskinesia. Last evaluated: 2025-05-30. Review status: criteria provided, single submitter. Criteria: Invitae Variant Classification Sherloc (09022015). Collection method: clinical testing. Allele origin: germline.
Comment: This sequence change creates a premature translational stop signal (p.Arg157*) in the DNAAF3 gene. It is expected to result in an absent or disrupted protein product. Loss-of-function variants in DNAAF3 are known to be pathogenic (PMID: 22387996). This variant is not present in population databases (gnomAD no frequency). This premature translational stop signal has been observed in individual(s) with primary ciliary dyskinesia (PMID: 22387996). It has also been observed to segregate with disease in related individuals. ClinVar contains an entry for this variant (Variation ID: 31533). Algorithms developed to predict the effect of sequence changes on RNA splicing suggest that this variant may disrupt the consensus splice site. For these reasons, this variant has been classified as Pathogenic.

Blueprint Genetics
Classification: Pathogenic for DNAAF3-related disorders. Last evaluated: 2024-06-25. Review status: criteria provided, single submitter. Criteria: ACMG Guidelines, 2015. Collection method: clinical testing. Allele origin: germline. Affected: yes. Observed: 2 variant alleles.

GeneDx
Classification: Pathogenic. Last evaluated: 2024-01-16. Review status: criteria provided, single submitter. Criteria: GeneDx Variant Classification Process June 2021. Collection method: clinical testing. Allele origin: germline. Affected: yes.
Comment: Nonsense variant predicted to result in protein truncation or nonsense mediated decay in a gene for which loss of function is a known mechanism of disease; Not observed at significant frequency in large population cohorts (gnomAD); This variant is associated with the following publications: (PMID: 37537752, 22387996, 34401452)

Fulgent Genetics
Classification: Pathogenic for Primary ciliary dyskinesia 2. Last evaluated: 2022-05-25. Review status: criteria provided, single submitter. Criteria: ACMG Guidelines, 2015. Collection method: clinical testing. Allele origin: unknown.

Ambry Genetics
Classification: Pathogenic for Primary ciliary dyskinesia. Last evaluated: 2017-09-06. Review status: criteria provided, single submitter. Criteria: Ambry Variant Classification Scheme 2023. Collection method: clinical testing. Allele origin: germline.
Comment: The p.R157* pathogenic mutation (also known as c.469C>T), located in coding exon 4 of the DNAAF3 gene, results from a C to T substitution at nucleotide position 469. This changes the amino acid from an arginine to a stop codon within coding exon 4. This mutation, designated as R136*, was identified in 4 affected individuals in a consanguineous family and confirmed heterozygous in one set of parents; the affected individuals all had absent dynein arms on ciliary structure analysis and two individuals had situs inversus (Mitchison HM et al. Nat. Genet., 2012 Mar;44:381-9, S1-2). In addition to the clinical data presented in the literature, this alteration is expected to result in loss of function by premature protein truncation or nonsense-mediated mRNA decay. As such, this alteration is interpreted as a disease-causing mutation.

OMIM
Classification: Pathogenic for CILIARY DYSKINESIA, PRIMARY, 2. Last evaluated: 2012-03-04. Review status: no assertion criteria provided. Collection method: literature only. Allele origin: germline. Not counted in ClinVar's aggregate classification.

Literature cited by the submitters: PubMed 22387996 (cited by 3 submitters); PubMed 10745040 (cited by OMIM).

NM_001256715.2(DNAAF3):c.265C>T (p.Arg89Ter)

Genes: DNAAF3-AS1 (DNAAF3 antisense RNA 1; plus strand), DNAAF3 (dynein axonemal assembly factor 3; minus strand). Cytogenetic location: 19q13.42.
Variant type: single nucleotide variant.
Coding change: c.265C>T on transcript NM_001256715.2 (MANE Select); coding-DNA position 265, C replaced by T.
Protein change: p.Arg89Ter; replaces arginine 89 with a stop codon.
Molecular consequence: nonsense.
Genome position (GRCh38, 1-based): chr19:55,165,427, G>A on the plus strand (C>T on the coding strand, the complement: DNAAF3 is on the minus strand). VCF-style: chr19-55165427-G-A. GRCh37 (hg19) VCF-style: chr19-55676795-G-A.
Other names: c.469C>T, p.Arg157Ter (NM_001256714.1); c.103C>T, p.Arg35Ter (NM_001256716.2); c.406C>T, p.Arg136Ter (NM_178837.4); short protein forms R136*, R157*, R89*, R35*.
Identifiers: ClinVar variation 31533 (VCV000031533.19), dbSNP rs387907152, ClinGen allele CA025069.
Genomic context (GRCh38, chr19:55,165,427, plus strand): 5'-GACCTTGCAGCCCCATCTTCTCCGGTTCCTCCAGGGCTAGGCTGAAGATCAGCATGTGTC[G>A]GGCCACAGCTTCCAGATTATTCTCCAGCACAAAGAACTAGAAGGATGGACAGGGCAGAAT-3'